The following is an entry in ClinVar:

NM_001199107.2(TBC1D24):c.714G>C (p.Lys238Asn)

Gene: TBC1D24 (TBC1 domain family member 24; plus strand). Cytogenetic location: 16p13.3.
Variant type: single nucleotide variant.
Coding change: c.714G>C on transcript NM_001199107.2 (MANE Select); coding-DNA position 714, G replaced by C.
Protein change: p.Lys238Asn; replaces lysine 238 with asparagine.
Molecular consequence: missense variant.
Genome position (GRCh38, 1-based): chr16:2,496,862, G>C. VCF-style: chr16-2496862-G-C. GRCh37 (hg19) VCF-style: chr16-2546863-G-C.
Other names: c.714G>C, p.Lys238Asn (NM_020705.3); short protein forms K238N.
Identifiers: ClinVar variation 3759160 (VCV003759160.2).

ClinVar aggregate classification (germline): Uncertain significance (1 of 4 stars; one submission).

Conditions:
Autosomal dominant nonsyndromic hearing loss 65. Also called: Deafness, autosomal dominant 65; TBC1D24-Related Autosomal Dominant Nonsyndromic Hearing Loss (DFNA). Identifiers: Orphanet 90635, MedGen C3892048, MONDO:0014470, OMIM 616044.
Developmental and epileptic encephalopathy, 1 (DEE1). Also called: INFANTILE SPASM SYNDROME, X-LINKED 1; X-linked infantile spasms; West's syndrome; Tonic spasms with clustering, arrest of psychomotor development and hypsarrhythmia on EEG; X-Linked Infantile Spasm Syndrome; OHTAHARA SYNDROME, X-LINKED. Identifiers: MedGen C3463992, MONDO:0010632, OMIM 308350. Disease mechanism: loss of function.

Submission:

Labcorp Genetics (formerly Invitae), Labcorp
Classification: Uncertain significance for Developmental and epileptic encephalopathy, 1; Autosomal dominant nonsyndromic hearing loss 65. Last evaluated: 2024-10-23. Review status: criteria provided, single submitter. Criteria: Invitae Variant Classification Sherloc (09022015). Collection method: clinical testing. Allele origin: germline.
Comment: This sequence change replaces lysine, which is basic and polar, with asparagine, which is neutral and polar, at codon 238 of the TBC1D24 protein (p.Lys238Asn). This variant is not present in population databases (gnomAD no frequency). This variant has not been reported in the literature in individuals affected with TBC1D24-related conditions. Invitae Evidence Modeling of protein sequence and biophysical properties (such as structural, functional, and spatial information, amino acid conservation, physicochemical variation, residue mobility, and thermodynamic stability) indicates that this missense variant is expected to disrupt TBC1D24 protein function with a positive predictive value of 95%. In summary, the available evidence is currently insufficient to determine the role of this variant in disease. Therefore, it has been classified as a Variant of Uncertain Significance.